The following is an entry in ClinVar:

NM_004826.4(ECEL1):c.278del (p.Gly93fs)

Gene: ECEL1 (endothelin converting enzyme like 1; minus strand). Cytogenetic location: 2q37.1.
Variant type: Deletion.
Coding change: c.278del on transcript NM_004826.4 (MANE Select); coding-DNA position 278, one base deleted (G; older notation c.278delG).
Protein change: p.Gly93fs; shifts the reading frame from glycine 93.
Molecular consequence: frameshift variant.
Genome position (GRCh38, 1-based): chr2:232,486,376, C deleted on the plus strand (G on the coding strand, the reverse complement: ECEL1 is on the minus strand); the first of 2 consecutive C bases (chr2:232,486,376-232,486,377); deleting either gives the same sequence. VCF-style (leftmost placement, unchanged base first): chr2-232486375-GC-G. GRCh37 (hg19) VCF-style: chr2-233351085-GC-G.
Other names: c.278del, p.Gly93fs (NM_001290787.2); short protein forms G93fs.
Identifiers: ClinVar variation 817364 (VCV000817364.1), dbSNP rs1575079032, ClinGen allele CA915941775.
Genomic context (GRCh38, chr2:232,486,375, plus strand): 5'-GGCCAGGAAGCGAGCGGCGCGCGCGAAGGCCTTGCGCTCAGGGCAGCCCTCGGGACAGGC[GC>G]CGCCGCCGGCCGCGACCGGGCCCAGGTACTTGAGGGCCAGCATAGCCGCCAGAATGGCGC-3'

ClinVar aggregate classification (germline): Pathogenic (1 of 4 stars; one submission).

Submission:

GeneDx
Classification: Pathogenic. Last evaluated: 2018-12-13. Review status: criteria provided, single submitter. Criteria: GeneDx Variant Classification (06012015). Collection method: clinical testing. Allele origin: germline. Affected: yes.
Comment: The c.278delG pathogenic variant in the ECEL1 gene has not been reported previously as a pathogenic variant, nor as a benign variant, to our knowledge. The c.278delG variant causes a frameshift starting with codon Glycine 93, changes this amino acid to a Alanine residue, and creates a premature Stop codon at position 110 of the new reading frame, denoted p.Gly93AlafsX110. This variant is predicted to cause loss of normal protein function either through protein truncation or nonsense-mediated mRNA decay. The c.278delG variant is not observed in large population cohorts (Lek et al., 2016). We interpret c.278delG as a pathogenic variant.